The following is an entry in ClinVar:

NM_016030.6(TRAPPC12):c.1530+1G>A

Gene: TRAPPC12 (trafficking protein particle complex subunit 12; plus strand). Cytogenetic location: 2p25.3.
Variant type: single nucleotide variant.
Coding change: c.1530+1G>A on transcript NM_016030.6 (MANE Select); the canonical splice donor site of the intron after coding-DNA position 1530, G replaced by A.
Molecular consequence: splice donor variant.
Genome position (GRCh38, 1-based): chr2:3,443,892, G>A. VCF-style: chr2-3443892-G-A. GRCh37 (hg19) VCF-style: chr2-3447663-G-A.
Other names: c.1530+1G>A (NM_001321102.2).
Identifiers: ClinVar variation 985642 (VCV000985642.5), dbSNP rs369187357, ClinGen allele CA1515468.

ClinVar aggregate classification (germline): Likely pathogenic (1 of 4 stars; one submission).

Conditions:
Inborn genetic diseases. Identifiers: MedGen C0950123, MeSH D030342.

Allele frequency attached by ClinVar (database versions not stated): gnomAD 0.00001; gnomAD exomes 0.00001 and 0.00002; TOPMed 0.00001; ExAC 0.00002; ESP Exome Variant Server 0.00008.
gnomAD v4.1: 24 of 1,611,914 alleles (0.0015%); highest among the groups gnomAD compares: Non-Finnish European, 0.002%; no homozygotes.

Submission:

Ambry Genetics
Classification: Likely pathogenic for Inborn genetic diseases. Last evaluated: 2022-10-21. Review status: criteria provided, single submitter. Criteria: Ambry Variant Classification Scheme 2023. Collection method: clinical testing. Allele origin: germline.
Comment: The c.1530+1G>A intronic variant results from a G to A substitution one nucleotide after exon 6 (coding exon 5) of the TRAPPC12 gene. This alteration is expected to result in loss of function by premature protein truncation or nonsense-mediated mRNA decay. Based on data from gnomAD, the A allele has an overall frequency of 0.001% (2/249336) total alleles studied. The highest observed frequency was 0.002% (2/112434) of European (non-Finnish) alleles. This nucleotide position is highly conserved in available vertebrate species. In silico splice site analysis predicts that this alteration will weaken the native splice donor site. Based on the available evidence, this alteration is classified as likely pathogenic.